The following is an entry in ClinVar:

NM_001136193.2(FASTKD2):c.1354A>G (p.Asn452Asp)

Gene: FASTKD2 (FASTK mitochondrial RNA regulator 2; plus strand). Cytogenetic location: 2q33.3.
Variant type: single nucleotide variant.
Coding change: c.1354A>G on transcript NM_001136193.2 (MANE Select); coding-DNA position 1354, A replaced by G.
Protein change: p.Asn452Asp; replaces asparagine 452 with aspartic acid.
Molecular consequence: missense variant.
Genome position (GRCh38, 1-based): chr2:206,774,324, A>G. VCF-style: chr2-206774324-A-G. GRCh37 (hg19) VCF-style: chr2-207639048-A-G.
Other names: c.1354A>G, p.Asn452Asp (NM_001136194.2, NM_014929.4); short protein forms N452D.
Identifiers: ClinVar variation 4891519 (VCV004891519.1).

ClinVar aggregate classification (germline): Uncertain significance (1 of 4 stars; one submission).

Submission:

GeneDx
Classification: Uncertain significance. Last evaluated: 2026-03-11. Review status: criteria provided, single submitter. Criteria: GeneDx Variant Classification Process June 2021. Collection method: clinical testing. Allele origin: germline.
Comment: Not observed at significant frequency in large population cohorts (gnomAD); In silico analysis suggests that this missense variant does not alter protein structure/function; Has not been previously published as pathogenic or benign to our knowledge